The following is an entry in ClinVar:

ClinVar aggregate classification (germline): Conflicting classifications of pathogenicity. Review status: criteria provided, conflicting classifications (1 of 4 stars). 4 submissions from 4 submitters: Uncertain significance (2); Likely benign (2). Last evaluated 2025-05-01.

Conditions:
MACF1-related disorder. Also called: MACF1-related condition.

Allele frequency attached by ClinVar (database versions not stated): gnomAD 0.00001; ExAC 0.00002; TOPMed 0.00002; gnomAD exomes 0.00006.
gnomAD v4.1: 91 of 1,614,030 alleles (0.0056%); highest among the groups gnomAD compares: Non-Finnish European, 0.0074%; no homozygotes.

Submissions (4):

CeGaT Center for Human Genetics Tuebingen
Classification: Likely benign. Last evaluated: 2025-05-01. Review status: criteria provided, single submitter. Criteria: CeGaT Center For Human Genetics Tuebingen Variant Classification Criteria Version 2. Collection method: clinical testing. Allele origin: germline. Affected: yes. Observed: 1 variant allele.
Comment: MACF1: BS2

PreventionGenetics, part of Exact Sciences
Classification: Uncertain significance for MACF1-related condition. Last evaluated: 2025-03-13. Review status: criteria provided, single submitter. Criteria: ACMG Guidelines, 2015. Collection method: clinical testing. Allele origin: germline.
Comment: The MACF1 c.2467C>T variant is predicted to result in the amino acid substitution p.Arg823Cys. To our knowledge, this variant has not been reported in the literature. This variant is reported in 0.0023% of alleles in individuals of European (Non-Finnish) descent in gnomAD. At this time, the clinical significance of this variant is uncertain due to the absence of conclusive functional and genetic evidence.

Labcorp Genetics (formerly Invitae), Labcorp
Classification: Uncertain significance. Last evaluated: 2023-07-18. Review status: criteria provided, single submitter. Criteria: Invitae Variant Classification Sherloc (09022015). Collection method: clinical testing. Allele origin: germline.
Comment: In summary, the available evidence is currently insufficient to determine the role of this variant in disease. Therefore, it has been classified as a Variant of Uncertain Significance. An algorithm developed to predict the effect of missense changes on protein structure and function (PolyPhen-2) suggests that this variant is likely to be disruptive. This variant has not been reported in the literature in individuals affected with MACF1-related conditions. This variant is present in population databases (rs201616111, gnomAD 0.002%). This sequence change replaces arginine, which is basic and polar, with cysteine, which is neutral and slightly polar, at codon 823 of the MACF1 protein (p.Arg823Cys).

Blueprint Genetics
Classification: Likely benign. Last evaluated: 2021-04-22. Review status: criteria provided, single submitter. Criteria: ACMG Guidelines, 2015. Collection method: clinical testing. Allele origin: germline.

NM_001394062.1(MACF1):c.2452C>T (p.Arg818Cys)

Gene: MACF1 (microtubule actin crosslinking factor 1; plus strand). Cytogenetic location: 1p34.3.
Variant type: single nucleotide variant.
Coding change: c.2452C>T on transcript NM_001394062.1 (MANE Select); coding-DNA position 2452, C replaced by T.
Protein change: p.Arg818Cys; replaces arginine 818 with cysteine.
Molecular consequence: missense variant.
Genome position (GRCh38, 1-based): chr1:39,297,716, C>T. VCF-style: chr1-39297716-C-T. GRCh37 (hg19) VCF-style: chr1-39763388-C-T.
Other names: c.2467C>T, p.Arg823Cys (NM_012090.5); short protein forms R823C, R818C.
Identifiers: ClinVar variation 2720942 (VCV002720942.15), dbSNP rs201616111, ClinGen allele CA779712.